The following is an entry in ClinVar:

ClinVar aggregate classification (germline): Uncertain significance (1 of 4 stars; one submission).

Conditions:
Hereditary sensory and autonomic neuropathy type 7. Also called: Neuropathy, hereditary sensory and autonomic, type VII; HSAN VII. Identifiers: Orphanet 391397, MedGen C3809882, MONDO:0014244, OMIM 615548.
Familial episodic pain syndrome with predominantly lower limb involvement. Also called: Episodic pain syndrome, familial, 3. Identifiers: Orphanet 391384, Orphanet 391392, MedGen C3809899, MONDO:0014247, OMIM 615552.

Submission:

Labcorp Genetics (formerly Invitae), Labcorp
Classification: Uncertain significance for Familial episodic pain syndrome with predominantly lower limb involvement; Hereditary sensory and autonomic neuropathy type 7. Last evaluated: 2024-02-11. Review status: criteria provided, single submitter. Criteria: Invitae Variant Classification Sherloc (09022015). Collection method: clinical testing. Allele origin: germline.
Comment: This sequence change replaces methionine, which is neutral and non-polar, with leucine, which is neutral and non-polar, at codon 720 of the SCN11A protein (p.Met720Leu). This variant is not present in population databases (gnomAD no frequency). This variant has not been reported in the literature in individuals affected with SCN11A-related conditions. ClinVar contains an entry for this variant (Variation ID: 859274). Advanced modeling of protein sequence and biophysical properties (such as structural, functional, and spatial information, amino acid conservation, physicochemical variation, residue mobility, and thermodynamic stability) performed at Invitae indicates that this missense variant is not expected to disrupt SCN11A protein function with a negative predictive value of 80%. In summary, the available evidence is currently insufficient to determine the role of this variant in disease. Therefore, it has been classified as a Variant of Uncertain Significance.

NM_001349253.2(SCN11A):c.2158A>T (p.Met720Leu)

Gene: SCN11A (sodium voltage-gated channel alpha subunit 11; minus strand). Cytogenetic location: 3p22.2.
Variant type: single nucleotide variant.
Coding change: c.2158A>T on transcript NM_001349253.2 (MANE Select); coding-DNA position 2158, A replaced by T.
Protein change: p.Met720Leu; replaces methionine 720 with leucine.
Molecular consequence: missense variant.
Genome position (GRCh38, 1-based): chr3:38,897,090, T>A on the plus strand (A>T on the coding strand, the complement: SCN11A is on the minus strand). VCF-style: chr3-38897090-T-A. GRCh37 (hg19) VCF-style: chr3-38938581-T-A.
Other names: c.2158A>T, p.Met720Leu (NM_014139.3); short protein forms M720L.
Identifiers: ClinVar variation 859274 (VCV000859274.6), dbSNP rs2065615099, ClinGen allele CA352158952.
Genomic context (GRCh38, chr3:38,897,090, plus strand): 5'-CTGTCGGGTTACAGAGTTTTGGACTCTTTTGGGAATTGAAGCTACGGCCAAAAAGCTGCA[T>A]GCCAACTACTGAGAAAATAAAGATCACAATGACCAGGACCACAGTCAGGCTTCCAAGGGC-3'
Protein context (NP_001336182.1, residues 710-730): IVIFIFSVVG[Met720Leu]QLFGRSFNSQ